The following is an entry in ClinVar:

NM_006231.4(POLE):c.151G>A (p.Glu51Lys)

Gene: POLE (DNA polymerase epsilon, catalytic subunit; minus strand). Cytogenetic location: 12q24.33.
Variant type: single nucleotide variant.
Coding change: c.151G>A on transcript NM_006231.4 (MANE Select); coding-DNA position 151, G replaced by A.
Protein change: p.Glu51Lys; replaces glutamic acid 51 with lysine.
Molecular consequence: missense variant.
Genome position (GRCh38, 1-based): chr12:132,681,191, C>T on the plus strand (G>A on the coding strand, the complement: POLE is on the minus strand). VCF-style: chr12-132681191-C-T. GRCh37 (hg19) VCF-style: chr12-133257777-C-T.
Other names: short protein forms E51K.
Identifiers: ClinVar variation 1043262 (VCV001043262.9), dbSNP rs2043159614, ClinGen allele CA387369962.

ClinVar aggregate classification (germline): Uncertain significance. Review status: criteria provided, multiple submitters, no conflicts (2 of 4 stars). 2 submissions from 2 submitters: Uncertain significance (2). Last evaluated 2023-12-22.

Conditions:
Hereditary cancer-predisposing syndrome. Also called: Hereditary Cancer Syndrome; Tumor predisposition; Hereditary neoplastic syndrome; Neoplastic Syndromes, Hereditary. Identifiers: Orphanet 140162, MedGen C0027672, MeSH D009386, MONDO:0015356.

Allele frequency attached by ClinVar (database versions not stated): gnomAD exomes below 0.00001.
gnomAD v4.1: 1 of 1,614,168 alleles (0.000062%); highest among the groups gnomAD compares: South Asian, 0.0011%; no homozygotes.

Submissions (2):

Labcorp Genetics (formerly Invitae), Labcorp
Classification: Uncertain significance. Last evaluated: 2023-12-22. Review status: criteria provided, single submitter. Criteria: Invitae Variant Classification Sherloc (09022015). Collection method: clinical testing. Allele origin: germline.
Comment: This sequence change replaces glutamic acid, which is acidic and polar, with lysine, which is basic and polar, at codon 51 of the POLE protein (p.Glu51Lys). This variant is not present in population databases (gnomAD no frequency). This variant has not been reported in the literature in individuals affected with POLE-related conditions. ClinVar contains an entry for this variant (Variation ID: 1043262). Advanced modeling of protein sequence and biophysical properties (such as structural, functional, and spatial information, amino acid conservation, physicochemical variation, residue mobility, and thermodynamic stability) performed at Invitae indicates that this missense variant is not expected to disrupt POLE protein function with a negative predictive value of 80%. In summary, the available evidence is currently insufficient to determine the role of this variant in disease. Therefore, it has been classified as a Variant of Uncertain Significance.

Ambry Genetics
Classification: Uncertain significance for Hereditary cancer-predisposing syndrome. Last evaluated: 2022-05-27. Review status: criteria provided, single submitter. Criteria: Ambry Variant Classification Scheme 2023. Collection method: clinical testing. Allele origin: germline.
Comment: The p.E51K variant (also known as c.151G>A), located in coding exon 2 of the POLE gene, results from a G to A substitution at nucleotide position 151. The glutamic acid at codon 51 is replaced by lysine, an amino acid with similar properties. This amino acid position is conserved. In addition, this alteration is predicted to be tolerated by in silico analysis. Since supporting evidence is limited at this time, the clinical significance of this alteration remains unclear.